The following is an entry in ClinVar:

ClinVar aggregate classification (germline): Uncertain significance (1 of 4 stars; one submission).

Allele frequency attached by ClinVar (database versions not stated): TOPMed below 0.00001.
gnomAD v4.1: 3 of 1,605,086 alleles (0.00019%); highest among the groups gnomAD compares: Admixed American, 0.0017%; no homozygotes.

Submission:

Labcorp Genetics (formerly Invitae), Labcorp
Classification: Uncertain significance. Last evaluated: 2022-10-02. Review status: criteria provided, single submitter. Criteria: Invitae Variant Classification Sherloc (09022015). Collection method: clinical testing. Allele origin: germline.
Comment: Advanced modeling of protein sequence and biophysical properties (such as structural, functional, and spatial information, amino acid conservation, physicochemical variation, residue mobility, and thermodynamic stability) performed at Invitae indicates that this missense variant is not expected to disrupt ITPR1 protein function. In summary, the available evidence is currently insufficient to determine the role of this variant in disease. Therefore, it has been classified as a Variant of Uncertain Significance. This variant has not been reported in the literature in individuals affected with ITPR1-related conditions. This variant is present in population databases (no rsID available, gnomAD 0.003%). This sequence change replaces alanine, which is neutral and non-polar, with threonine, which is neutral and polar, at codon 19 of the ITPR1 protein (p.Ala19Thr).

NM_001378452.1(ITPR1):c.55G>A (p.Ala19Thr)

Gene: ITPR1 (inositol 1,4,5-trisphosphate receptor type 1; plus strand). Cytogenetic location: 3p26.1.
Variant type: single nucleotide variant.
Coding change: c.55G>A on transcript NM_001378452.1 (MANE Select); coding-DNA position 55, G replaced by A.
Protein change: p.Ala19Thr; replaces alanine 19 with threonine.
Molecular consequence: missense variant.
Genome position (GRCh38, 1-based): chr3:4,516,546, G>A. VCF-style: chr3-4516546-G-A. GRCh37 (hg19) VCF-style: chr3-4558230-G-A.
Other names: c.55G>A, p.Ala19Thr (NM_001099952.4, NM_001168272.2, NM_002222.7); short protein forms A19T.
Identifiers: ClinVar variation 1944548 (VCV001944548.5), dbSNP rs1319285632, ClinGen allele CA351793915.